The following is an entry in ClinVar:

NC_000007.13:g.(?_140476692)_(140494287_?)del

Gene: BRAF (B-Raf proto-oncogene, serine/threonine kinase; minus strand). Cytogenetic location: 7q34.
Variant type: Deletion.
Identifiers: ClinVar variation 3245838 (VCV003245838.1).

ClinVar aggregate classification (germline): Uncertain significance (1 of 4 stars; one submission).

Conditions:
RASopathy. Also called: Noonan spectrum disorder; rasopathies. Identifiers: Orphanet 536391, MedGen C5555857, MONDO:0021060.

Submission:

Labcorp Genetics (formerly Invitae), Labcorp
Classification: Uncertain significance for RASopathy. Last evaluated: 2023-06-09. Review status: criteria provided, single submitter. Criteria: Invitae Variant Classification Sherloc (09022015). Collection method: clinical testing. Allele origin: unknown.
Comment: In summary, the available evidence is currently insufficient to determine the role of this variant in disease. Therefore, it has been classified as a Variant of Uncertain Significance. Experimental studies and prediction algorithms are not available or were not evaluated, and the functional significance of this variant is currently unknown. This variant has not been reported in the literature in individuals affected with BRAF-related conditions. This variant is a gross deletion of the genomic region encompassing exon(s) 8-13 of the BRAF gene. This variant would be expected to be in-frame, preserving the integrity of the reading frame.